The following is an entry in ClinVar:

NM_000278.5(PAX2):c.616+5648T>C

Genes: PAX2 (paired box 2; plus strand), LOC110120845 (VISTA enhancer hs229; plus strand). Cytogenetic location: 10q24.31.
Variant type: single nucleotide variant.
Coding change: c.616+5648T>C on transcript NM_000278.5 (MANE Select); 5648 bases into the intron after coding-DNA position 616, T replaced by C.
Molecular consequence: intron variant. On other transcripts: splice donor variant (2).
Genome position (GRCh38, 1-based): chr10:100,787,013, T>C. VCF-style: chr10-100787013-T-C. GRCh37 (hg19) VCF-style: chr10-102546770-T-C.
Other names: c.709+5648T>C (NM_001304569.2); c.685+2T>C (NM_003987.5, NM_003990.5); c.616+5648T>C (NM_003988.5, NM_003989.5).
Identifiers: ClinVar variation 419700 (VCV000419700.3), dbSNP rs747453876, ClinGen allele CA5650800.

ClinVar aggregate classification (germline): Pathogenic/Likely pathogenic. Review status: criteria provided, multiple submitters, no conflicts (2 of 4 stars). 2 submissions from 2 submitters: Pathogenic (1); Likely pathogenic (1). Last evaluated 2022-03-26.

Conditions:
Renal coloboma syndrome (PAPRS). Also called: PAPILLORENAL SYNDROME; COLOBOMA OF OPTIC NERVE WITH RENAL DISEASE; CONGENITAL ANOMALIES OF THE KIDNEY AND URINARY TRACT WITH OR WITHOUT OCULAR ABNORMALITIES; CAKUT WITH OR WITHOUT OCULAR ABNORMALITIES; OPTIC COLOBOMA, VESICOURETERAL REFLUX, AND RENAL ANOMALIES; OPTIC NERVE COLOBOMA WITH RENAL DISEASE. Identifiers: Orphanet 1475, MedGen C1852759, MONDO:0007352, OMIM 120330.
Focal segmental glomerulosclerosis 7 (FSGS7). Identifiers: Orphanet 656, MedGen C4014925, MONDO:0014451, OMIM 616002.

Allele frequency attached by ClinVar (database versions not stated): TOPMed below 0.00001; gnomAD 0.00001; gnomAD exomes 0.00001 and 0.00004; ExAC 0.00002.
gnomAD v4.1: 9 of 1,382,130 alleles (0.00065%); highest among the groups gnomAD compares: East Asian, 0.023%; no homozygotes.

Submissions (2):

Fulgent Genetics
Classification: Likely pathogenic for Renal coloboma syndrome; Focal segmental glomerulosclerosis 7. Last evaluated: 2022-03-26. Review status: criteria provided, single submitter. Criteria: ACMG Guidelines, 2015. Collection method: clinical testing. Allele origin: unknown.

GeneDx
Classification: Pathogenic. Last evaluated: 2015-09-09. Review status: criteria provided, single submitter. Criteria: GeneDx Variant Classification (06012015). Collection method: clinical testing. Allele origin: germline. Affected: yes.
Comment: The c.685+2T>C variant in the PAX2 gene has not been reported previously as a pathogenic variant nor as a benign polymorphism, to our knowledge. This splice site variant is predicted to destroy the canonical splice donor site in intron 6. Thus, it is predicted to cause abnormal gene splicing, either leading to an abnormal message that is subject to nonsense-mediated mRNA decay, or to an abnormal protein product if the message is used for protein translation. The c.685+2T>C variant was not observed in approximately 6,100 individuals of European and African American ancestry in the NHLBI Exome Sequencing Project, indicating it is not a common benign variant in these populations. We interpret c.685+2T>C as a pathogenic variant.